The following is an entry in ClinVar:

ClinVar aggregate classification (germline): Uncertain significance (1 of 4 stars; one submission).

Conditions:
Glycogen storage disease IXb (GSD9B). Also called: GLYCOGENOSIS OF LIVER AND MUSCLE, AUTOSOMAL RECESSIVE; GSD IXb; PHOSPHORYLASE KINASE DEFICIENCY OF LIVER AND MUSCLE, AUTOSOMAL RECESSIVE. Identifiers: Orphanet 79240, MedGen C0543514, MONDO:0009868, OMIM 261750.

Allele frequency attached by ClinVar (database versions not stated): gnomAD exomes below 0.00001.
gnomAD v4.1: 1 of 1,610,784 alleles (0.000062%); highest among the groups gnomAD compares: African/African-American, 0.0013%; no homozygotes.

Submission:

Labcorp Genetics (formerly Invitae), Labcorp
Classification: Uncertain significance for Glycogen storage disease IXb. Last evaluated: 2018-06-19. Review status: criteria provided, single submitter. Criteria: Invitae Variant Classification Sherloc (09022015). Collection method: clinical testing. Allele origin: germline.
Comment: This sequence change replaces serine with asparagine at codon 583 of the PHKB protein (p.Ser583Asn). The serine residue is highly conserved and there is a small physicochemical difference between serine and asparagine. This variant is not present in population databases (ExAC no frequency). In summary, the available evidence is currently insufficient to determine the role of this variant in disease. Therefore, it has been classified as a Variant of Uncertain Significance. Algorithms developed to predict the effect of missense changes on protein structure and function are either unavailable or do not agree on the potential impact of this missense change (SIFT: "Deleterious"; PolyPhen-2: "Probably Damaging"; Align-GVGD: "Class C0"). This variant has not been reported in the literature in individuals with PHKB-related disease.

NM_000293.3(PHKB):c.1748G>A (p.Ser583Asn)

Gene: PHKB (phosphorylase kinase regulatory subunit beta; plus strand). Cytogenetic location: 16q12.1.
Variant type: single nucleotide variant.
Coding change: c.1748G>A on transcript NM_000293.3 (MANE Select); coding-DNA position 1748, G replaced by A.
Protein change: p.Ser583Asn; replaces serine 583 with asparagine.
Molecular consequence: missense variant.
Genome position (GRCh38, 1-based): chr16:47,649,155, G>A. VCF-style: chr16-47649155-G-A. GRCh37 (hg19) VCF-style: chr16-47683066-G-A.
Other names: c.1727G>A, p.Ser576Asn (NM_001031835.3); c.1748G>A, p.Ser583Asn (NM_001363837.1); short protein forms S583N, S576N.
Identifiers: ClinVar variation 566221 (VCV000566221.8), dbSNP rs1567341136, ClinGen allele CA395786085.
Genomic context (GRCh38, chr16:47,649,155, plus strand): 5'-TACAGATTTATCGCATTCTAGGAAAGACTGTGGTTTGTTACCCGATTATTTTCGACCTAA[G>A]TGATTTCTACATGTCTCAGGATGTTTTCCTGCTGATAGATGACATAAAGGTAGCTTCGGA-3'
Protein context (NP_000284.1, residues 573-593): VVCYPIIFDL[Ser583Asn]DFYMSQDVFL